The following is an entry in ClinVar:

NM_014159.7(SETD2):c.3647C>T (p.Ser1216Phe)

Gene: SETD2 (SET domain containing 2, histone lysine methyltransferase; minus strand). Cytogenetic location: 3p21.31.
Variant type: single nucleotide variant.
Coding change: c.3647C>T on transcript NM_014159.7 (MANE Select); coding-DNA position 3647, C replaced by T.
Protein change: p.Ser1216Phe; replaces serine 1216 with phenylalanine.
Molecular consequence: missense variant. On other transcripts: non-coding transcript variant (1).
Genome position (GRCh38, 1-based): chr3:47,120,989, G>A on the plus strand (C>T on the coding strand, the complement: SETD2 is on the minus strand). VCF-style: chr3-47120989-G-A. GRCh37 (hg19) VCF-style: chr3-47162479-G-A.
Other names: c.3515C>T, p.Ser1172Phe (NM_001349370.3); short protein forms S1172F, S1216F.
Identifiers: ClinVar variation 3365865 (VCV003365865.1).

ClinVar aggregate classification (germline): Uncertain significance (1 of 4 stars; one submission).

Submission:

GeneDx
Classification: Uncertain significance. Last evaluated: 2023-12-16. Review status: criteria provided, single submitter. Criteria: GeneDx Variant Classification Process June 2021. Collection method: clinical testing. Allele origin: germline. Affected: yes.
Comment: Not observed at significant frequency in large population cohorts (gnomAD); In silico analysis supports that this missense variant has a deleterious effect on protein structure/function; Has not been previously published as pathogenic or benign to our knowledge